The following is an entry in ClinVar:

NM_024577.4(SH3TC2):c.2552G>A (p.Arg851Gln)

Gene: SH3TC2 (SH3 domain and tetratricopeptide repeats 2; minus strand). Cytogenetic location: 5q32.
Variant type: single nucleotide variant.
Coding change: c.2552G>A on transcript NM_024577.4 (MANE Select); coding-DNA position 2552, G replaced by A.
Protein change: p.Arg851Gln; replaces arginine 851 with glutamine.
Molecular consequence: missense variant.
Genome position (GRCh38, 1-based): chr5:149,027,180, C>T on the plus strand (G>A on the coding strand, the complement: SH3TC2 is on the minus strand). VCF-style: chr5-149027180-C-T. GRCh37 (hg19) VCF-style: chr5-148406743-C-T.
Other names: short protein forms R851Q.
Identifiers: ClinVar variation 543360 (VCV000543360.11), dbSNP rs751621364, ClinGen allele CA3498970.

ClinVar aggregate classification (germline): Conflicting classifications of pathogenicity. Review status: criteria provided, conflicting classifications (1 of 4 stars). 4 submissions from 4 submitters: Uncertain significance (1); Likely benign (1). 2 of the submissions do not count toward it. Last evaluated 2025-08-29.

Conditions:
SH3TC2-related disorder. Also called: SH3TC2-related condition; SH3TC2-related disorders. Identifiers: MedGen CN239303.
Charcot-Marie-Tooth disease type 4. Also called: Charcot-Marie-Tooth disease, type IV; Charcot-Marie-Tooth, Type 4. Identifiers: Orphanet 64749, MedGen C4082197, MONDO:0018995.
Inborn genetic diseases. Identifiers: MedGen C0950123, MeSH D030342.

Allele frequency attached by ClinVar (database versions not stated): gnomAD exomes 0.00003 and 0.00010; ExAC 0.00004; TOPMed 0.00026; gnomAD 0.00034 and 0.00036.
gnomAD v4.1: 99 of 1,614,076 alleles (0.0061%); highest among the groups gnomAD compares: Admixed American, 0.1%; no homozygotes.

Submissions (4):

Labcorp Genetics (formerly Invitae), Labcorp
Classification: Likely benign for Charcot-Marie-Tooth disease type 4. Last evaluated: 2025-08-29. Review status: criteria provided, single submitter. Criteria: Invitae Variant Classification Sherloc (09022015). Collection method: clinical testing. Allele origin: germline.

Ambry Genetics
Classification: Uncertain significance for Inborn genetic diseases. Last evaluated: 2025-08-08. Review status: criteria provided, single submitter. Criteria: Ambry Variant Classification Scheme 2023. Collection method: clinical testing. Allele origin: germline.

PreventionGenetics, part of Exact Sciences
Classification: Uncertain significance for SH3TC2-related condition. Last evaluated: 2024-08-14. Review status: no assertion criteria provided. Collection method: clinical testing. Allele origin: germline. Not counted in ClinVar's aggregate classification.
Comment: The SH3TC2 c.2552G>A variant is predicted to result in the amino acid substitution p.Arg851Gln. To our knowledge, this variant has not been reported in the literature. This variant is reported in 0.048% of alleles in individuals of Latino descent in gnomAD. At this time, the clinical significance of this variant is uncertain due to the absence of conclusive functional and genetic evidence.

Genesis Genome Database
Classification: Uncertain significance for Charcot-Marie-Tooth disease type 4. Last evaluated: 2019-08-14. Review status: no assertion criteria provided. Collection method: research. Allele origin: germline. Affected: yes. Not counted in ClinVar's aggregate classification.